The following is an entry in ClinVar:

ClinVar aggregate classification (germline): Conflicting classifications of pathogenicity. Review status: criteria provided, conflicting classifications (1 of 4 stars). 4 submissions from 3 submitters: Uncertain significance (1); Likely benign (3). Last evaluated 2026-01-25.

Conditions:
Cardiovascular phenotype. Identifiers: MedGen CN230736.
Hereditary cancer-predisposing syndrome. Also called: Hereditary Cancer Syndrome; Neoplastic Syndromes, Hereditary; Tumor predisposition; Hereditary neoplastic syndrome. Identifiers: Orphanet 140162, MedGen C0027672, MeSH D009386, MONDO:0015356.
Neurofibromatosis, type 1 (NF1). Also called: Neurofibromatosis, type I; VON RECKLINGHAUSEN DISEASE; NEUROFIBROMATOSIS, TYPE I, SOMATIC; Peripheral type neurofibromatosis. Identifiers: Orphanet 636, MedGen C0027831, MONDO:0018975, OMIM 162200. Disease mechanism: loss of function.

Allele frequency attached by ClinVar (database versions not stated): gnomAD exomes 0.00001; TOPMed 0.00003.
gnomAD v4.1: 24 of 1,613,768 alleles (0.0015%); highest among the groups gnomAD compares: East Asian, 0.0067%; no homozygotes.

Submissions (4):

Labcorp Genetics (formerly Invitae), Labcorp
Classification: Likely benign for Neurofibromatosis, type 1. Last evaluated: 2026-01-25. Review status: criteria provided, single submitter. Criteria: Invitae Variant Classification Sherloc (09022015). Collection method: clinical testing. Allele origin: germline.

Quest Diagnostics Nichols Institute San Juan Capistrano
Classification: Uncertain significance. Last evaluated: 2021-07-23. Review status: criteria provided, single submitter. Criteria: Quest Diagnostics criteria. Collection method: clinical testing. Allele origin: unknown.

Ambry Genetics
Classification: Likely benign for Cardiovascular phenotype; Hereditary cancer-predisposing syndrome. Last evaluated: 2019-11-21. Review status: criteria provided, single submitter. Criteria: Ambry Variant Classification Scheme 2023. Collection method: clinical testing. Allele origin: germline.

Ambry Genetics
Classification: Likely benign for Hereditary cancer-predisposing syndrome. Last evaluated: 2015-08-15. Review status: criteria provided, single submitter. Criteria: Ambry Autosomal Dominant and X-Linked criteria (10/2015). Collection method: clinical testing. Allele origin: germline. Observed: 1 variant allele.
Comment: Insufficient or conflicting evidence

NM_001042492.3(NF1):c.4110+3A>G

Gene: NF1 (neurofibromin 1; plus strand). Cytogenetic location: 17q11.2.
Variant type: single nucleotide variant.
Coding change: c.4110+3A>G on transcript NM_001042492.3 (MANE Select); 3 bases into the intron after coding-DNA position 4110, A replaced by G.
Molecular consequence: intron variant.
Genome position (GRCh38, 1-based): chr17:31,249,122, A>G. VCF-style: chr17-31249122-A-G. GRCh37 (hg19) VCF-style: chr17-29576140-A-G.
Other names: c.4110+3A>G (NM_000267.4).
Identifiers: ClinVar variation 230135 (VCV000230135.14), dbSNP rs774669878, ClinGen allele CA8486325.
Genomic context (GRCh38, chr17:31,249,122, plus strand): 5'-CAGTTCCTCCTCAGAATTCCCCCCTCAACTTCGAAGTGTGTGCCACTGTTTATACCAGGT[A>G]TGCTTACAGTTAGAGATTACCATTATTAATCTAAAGTTAAATTATGAAGAATGCTTTATC-3'